The following is an entry in ClinVar:

NM_006949.4(STXBP2):c.1168G>A (p.Val390Ile)

Gene: STXBP2 (syntaxin binding protein 2; plus strand). Cytogenetic location: 19p13.2.
Variant type: single nucleotide variant.
Coding change: c.1168G>A on transcript NM_006949.4 (MANE Select); coding-DNA position 1168, G replaced by A.
Protein change: p.Val390Ile; replaces valine 390 with isoleucine.
Molecular consequence: missense variant. On other transcripts: non-coding transcript variant (1).
Genome position (GRCh38, 1-based): chr19:7,644,674, G>A. VCF-style: chr19-7644674-G-A. GRCh37 (hg19) VCF-style: chr19-7709560-G-A.
Other names: c.1159G>A, p.Val387Ile (NM_001127396.3); c.1201G>A, p.Val401Ile (NM_001272034.2); c.1072G>A, p.Val358Ile (NM_001414484.1); short protein forms V358I, V390I, V401I, V387I.
Identifiers: ClinVar variation 1953586 (VCV001953586.2), dbSNP rs763264163, ClinGen allele CA9144015.

ClinVar aggregate classification (germline): Uncertain significance (1 of 4 stars; one submission).

Conditions:
Familial hemophagocytic lymphohistiocytosis 5. Also called: STXBP2-Related Familial Hemophagocytic Lymphohistiocytosis (STXBP2-fHLH). Identifiers: Orphanet 540, MedGen C2751293, MONDO:0013135, OMIM 613101.

Allele frequency attached by ClinVar (database versions not stated): gnomAD exomes 0.00001; ExAC 0.00003.
gnomAD v4.1: 7 of 1,613,736 alleles (0.00043%); highest among the groups gnomAD compares: East Asian, 0.0067%; no homozygotes.

Submission:

Labcorp Genetics (formerly Invitae), Labcorp
Classification: Uncertain significance for Familial hemophagocytic lymphohistiocytosis 5. Last evaluated: 2022-03-24. Review status: criteria provided, single submitter. Criteria: Invitae Variant Classification Sherloc (09022015). Collection method: clinical testing. Allele origin: germline.
Comment: This sequence change replaces valine, which is neutral and non-polar, with isoleucine, which is neutral and non-polar, at codon 390 of the STXBP2 protein (p.Val390Ile). This variant is present in population databases (rs763264163, gnomAD 0.02%). This variant has not been reported in the literature in individuals affected with STXBP2-related conditions. Algorithms developed to predict the effect of missense changes on protein structure and function are either unavailable or do not agree on the potential impact of this missense change (SIFT: "Tolerated"; PolyPhen-2: "Possibly Damaging"; Align-GVGD: "Class C0"). In summary, the available evidence is currently insufficient to determine the role of this variant in disease. Therefore, it has been classified as a Variant of Uncertain Significance.